The following is an entry in ClinVar:

NM_001374259.2(IL12RB2):c.389T>C (p.Leu130Ser)

Gene: IL12RB2 (interleukin 12 receptor subunit beta 2; plus strand). Cytogenetic location: 1p31.3.
Variant type: single nucleotide variant.
Coding change: c.389T>C on transcript NM_001374259.2 (MANE Select); coding-DNA position 389, T replaced by C.
Protein change: p.Leu130Ser; replaces leucine 130 with serine.
Molecular consequence: missense variant. On other transcripts: non-coding transcript variant (2).
Genome position (GRCh38, 1-based): chr1:67,326,759, T>C. VCF-style: chr1-67326759-T-C. GRCh37 (hg19) VCF-style: chr1-67792442-T-C.
Other names: c.389T>C, p.Leu130Ser (NM_001258214.1, NM_001258215.1, NM_001258216.1 and 2 more transcripts); short protein forms L130S.
Identifiers: ClinVar variation 2716574 (VCV002716574.3), dbSNP rs776798545, ClinGen allele CA900179.

ClinVar aggregate classification (germline): Uncertain significance (1 of 4 stars; one submission).

Allele frequency attached by ClinVar (database versions not stated): ExAC 0.00010.
gnomAD v4.1: 45 of 1,613,560 alleles (0.0028%); highest among the groups gnomAD compares: South Asian, 0.047%; 1 homozygote.

Submission:

Labcorp Genetics (formerly Invitae), Labcorp
Classification: Uncertain significance. Last evaluated: 2025-01-19. Review status: criteria provided, single submitter. Criteria: Invitae Variant Classification Sherloc (09022015). Collection method: clinical testing. Allele origin: germline.
Comment: This sequence change replaces leucine, which is neutral and non-polar, with serine, which is neutral and polar, at codon 130 of the IL12RB2 protein (p.Leu130Ser). This variant is present in population databases (rs776798545, gnomAD 0.06%). This variant has not been reported in the literature in individuals affected with IL12RB2-related conditions. ClinVar contains an entry for this variant (Variation ID: 2716574). An algorithm developed to predict the effect of missense changes on protein structure and function (PolyPhen-2) suggests that this variant is likely to be disruptive. Experimental studies have shown that this missense change affects IL12RB2 function (PMID: 30578351). In summary, the available evidence is currently insufficient to determine the role of this variant in disease. Therefore, it has been classified as a Variant of Uncertain Significance.

Literature cited by the submitters: PubMed 30578351.